The following is an entry in ClinVar:

NM_001035223.4(RGL3):c.253G>A (p.Asp85Asn)

Gene: RGL3 (ral guanine nucleotide dissociation stimulator like 3; minus strand). Cytogenetic location: 19p13.2.
Variant type: single nucleotide variant.
Coding change: c.253G>A on transcript NM_001035223.4 (MANE Select); coding-DNA position 253, G replaced by A.
Protein change: p.Asp85Asn; replaces aspartic acid 85 with asparagine.
Molecular consequence: missense variant.
Genome position (GRCh38, 1-based): chr19:11,416,954, C>T on the plus strand (G>A on the coding strand, the complement: RGL3 is on the minus strand). VCF-style: chr19-11416954-C-T. GRCh37 (hg19) VCF-style: chr19-11527628-C-T.
Other names: c.253G>A, p.Asp85Asn (NM_001161616.3); short protein forms D85N.
Identifiers: ClinVar variation 2649329 (VCV002649329.24), dbSNP rs143235367, ClinGen allele CA9211796.

ClinVar aggregate classification (germline): Likely benign (1 of 4 stars; one submission).

Allele frequency attached by ClinVar (database versions not stated): TOPMed 0.00360; gnomAD 0.00384; 1000 Genomes Project 30x 0.00141; 1000 Genomes Project 0.00160; ESP Exome Variant Server 0.00438; ExAC 0.00457; gnomAD exomes 0.00634.
gnomAD v4.1: 9,817 of 1,614,106 alleles (0.61%); highest among the groups gnomAD compares: Non-Finnish European, 0.74%; 32 homozygotes.

Submission:

CeGaT Center for Human Genetics Tuebingen
Classification: Likely benign. Last evaluated: 2023-04-01. Review status: criteria provided, single submitter. Criteria: CeGaT Center For Human Genetics Tuebingen Variant Classification Criteria Version 2. Collection method: clinical testing. Allele origin: germline. Affected: yes. Observed: 1 variant allele.
Comment: RGL3: BS2